The following is an entry in ClinVar:

NM_183357.3(ADCY5):c.2443-14T>A

Gene: ADCY5 (adenylate cyclase 5; minus strand). Cytogenetic location: 3q21.1.
Variant type: single nucleotide variant.
Coding change: c.2443-14T>A on transcript NM_183357.3 (MANE Select); 14 bases into the intron before coding-DNA position 2443, T replaced by A.
Molecular consequence: intron variant.
Genome position (GRCh38, 1-based): chr3:123,304,197, A>T on the plus strand (T>A on the coding strand, the complement: ADCY5 is on the minus strand). VCF-style: chr3-123304197-A-T. GRCh37 (hg19) VCF-style: chr3-123023044-A-T.
Other names: c.2443-14T>A (NM_001378259.1); c.1393-14T>A (NM_001199642.1).
Identifiers: ClinVar variation 1030392 (VCV001030392.1), dbSNP rs1362359930, ClinGen allele CA1052997251.

ClinVar aggregate classification (germline): Uncertain significance (1 of 4 stars; one submission).

Conditions:
Dyskinesia with orofacial involvement, autosomal dominant (DSKOD). Also called: Familial dyskinesia and facial myokymia; Dyskinesia, familial, with facial myokymia; Familial Dyskinesia with Facial Myokymia (FDFM). Identifiers: Orphanet 324588, MedGen C1847627, MONDO:0800028, OMIM 606703.

Submission:

Baylor Genetics
Classification: Uncertain significance for Dyskinesia with orofacial involvement, autosomal dominant. Last evaluated: 2019-11-06. Review status: criteria provided, single submitter. Criteria: ACMG Guidelines, 2015. Collection method: clinical testing. Allele origin: unknown. Affected: yes.
Comment: This variant was determined to be of uncertain significance according to ACMG Guidelines, 2015 [PMID:25741868].